The following is an entry in ClinVar:

ClinVar aggregate classification (germline): Uncertain significance (1 of 4 stars; one submission).

Conditions:
T-cell immunodeficiency, congenital alopecia, and nail dystrophy. Also called: Congenital alopecia and nail dystrophy associated with severe functional T-cell immunodeficiency; Pignata Guarino syndrome. Identifiers: Orphanet 169095, MedGen C1866426, MONDO:0011132, OMIM 601705.

Allele frequency attached by ClinVar (database versions not stated): gnomAD exomes 0.00002 and 0.00008; ExAC 0.00010; gnomAD 0.00027 and 0.00029; TOPMed 0.00034; ESP Exome Variant Server 0.00038.
gnomAD v4.1: 67 of 1,612,886 alleles (0.0042%); highest among the groups gnomAD compares: African/African-American, 0.083%; no homozygotes.

Submission:

Labcorp Genetics (formerly Invitae), Labcorp
Classification: Uncertain significance for T-cell immunodeficiency, congenital alopecia, and nail dystrophy. Last evaluated: 2025-01-15. Review status: criteria provided, single submitter. Criteria: Invitae Variant Classification Sherloc (09022015). Collection method: clinical testing. Allele origin: germline.
Comment: This sequence change replaces proline, which is neutral and non-polar, with histidine, which is basic and polar, at codon 628 of the FOXN1 protein (p.Pro628His). This variant is present in population databases (rs139677414, gnomAD 0.09%). This variant has not been reported in the literature in individuals affected with FOXN1-related conditions. ClinVar contains an entry for this variant (Variation ID: 967655). Invitae Evidence Modeling of protein sequence and biophysical properties (such as structural, functional, and spatial information, amino acid conservation, physicochemical variation, residue mobility, and thermodynamic stability) indicates that this missense variant is not expected to disrupt FOXN1 protein function with a negative predictive value of 80%. In summary, the available evidence is currently insufficient to determine the role of this variant in disease. Therefore, it has been classified as a Variant of Uncertain Significance.

NM_001369369.1(FOXN1):c.1883C>A (p.Pro628His)

Gene: FOXN1 (forkhead box N1; plus strand). Cytogenetic location: 17q11.2.
Variant type: single nucleotide variant.
Coding change: c.1883C>A on transcript NM_001369369.1 (MANE Select); coding-DNA position 1883, C replaced by A.
Protein change: p.Pro628His; replaces proline 628 with histidine.
Molecular consequence: missense variant.
Genome position (GRCh38, 1-based): chr17:28,537,372, C>A. VCF-style: chr17-28537372-C-A. GRCh37 (hg19) VCF-style: chr17-26864390-C-A.
Other names: c.1883C>A, p.Pro628His (NM_003593.3); short protein forms P628H.
Identifiers: ClinVar variation 967655 (VCV000967655.4), dbSNP rs139677414, ClinGen allele CA8459654.
Genomic context (GRCh38, chr17:28,537,372, plus strand): 5'-TGGGTGACCTGCACCTCACCACCCTCTACTCTGCCTTTATGGAGCTGGAGCCCACGCCCC[C>A]CACGGCCCCTGCAGGCCCCTCTGTGTACCTCAGCCCCAGCTCCAAGCCCGTGGCCCTGGC-3'
Protein context (NP_001356298.1, residues 618-638): SAFMELEPTP[Pro628His]TAPAGPSVYL